The following is an entry in ClinVar:

NM_002971.6(SATB1):c.625T>C (p.Cys209Arg)

Gene: SATB1 (SATB homeobox 1; minus strand). Cytogenetic location: 3p24.3.
Variant type: single nucleotide variant.
Coding change: c.625T>C on transcript NM_002971.6 (MANE Select); coding-DNA position 625, T replaced by C.
Protein change: p.Cys209Arg; replaces cysteine 209 with arginine.
Molecular consequence: missense variant.
Genome position (GRCh38, 1-based): chr3:18,415,125, A>G on the plus strand (T>C on the coding strand, the complement: SATB1 is on the minus strand). VCF-style: chr3-18415125-A-G. GRCh37 (hg19) VCF-style: chr3-18456617-A-G.
Other names: c.625T>C, p.Cys209Arg (NM_001131010.4, NM_001195470.3, NM_001322871.2 and 4 more transcripts); c.409T>C, p.Cys137Arg (NM_001322876.2); short protein forms C137R, C209R.
Identifiers: ClinVar variation 3363883 (VCV003363883.2).

ClinVar aggregate classification (germline): Uncertain significance (1 of 4 stars; one submission).

Submission:

GeneDx
Classification: Uncertain significance. Last evaluated: 2025-10-16. Review status: criteria provided, single submitter. Criteria: GeneDx Variant Classification Process June 2021. Collection method: clinical testing. Allele origin: germline.
Comment: Not observed at significant frequency in large population cohorts (gnomAD); In silico analysis supports that this missense variant has a deleterious effect on protein structure/function; Has not been previously published as pathogenic or benign to our knowledge